The following is an entry in ClinVar:

NM_004655.4(AXIN2):c.815+8T>A

Gene: AXIN2 (axin 2; minus strand). Cytogenetic location: 17q24.1.
Variant type: single nucleotide variant.
Coding change: c.815+8T>A on transcript NM_004655.4 (MANE Select); 8 bases into the intron after coding-DNA position 815, T replaced by A.
Molecular consequence: intron variant.
Genome position (GRCh38, 1-based): chr17:65,557,798, A>T on the plus strand (T>A on the coding strand, the complement: AXIN2 is on the minus strand). VCF-style: chr17-65557798-A-T. GRCh37 (hg19) VCF-style: chr17-63553916-A-T.
Other names: c.815+8T>A (NM_001363813.1, LRG_296t1).
Identifiers: ClinVar variation 240035 (VCV000240035.13), dbSNP rs878854736, ClinGen allele CA10583658.

ClinVar aggregate classification (germline): Conflicting classifications of pathogenicity. Review status: criteria provided, conflicting classifications (1 of 4 stars). 3 submissions from 3 submitters: Uncertain significance (1); Likely benign (2). Last evaluated 2026-01-05.

Conditions:
Oligodontia-cancer predisposition syndrome. Also called: TOOTH AGENESIS-COLORECTAL CANCER SYNDROME. Identifiers: Orphanet 300576, MedGen C1837750, MONDO:0012075, OMIM 608615. Disease mechanism: loss of function.

Allele frequency attached by ClinVar (database versions not stated): TOPMed 0.00001; gnomAD exomes 0.00002.

Submissions (3):

Labcorp Genetics (formerly Invitae), Labcorp
Classification: Likely benign for Oligodontia-cancer predisposition syndrome. Last evaluated: 2026-01-05. Review status: criteria provided, single submitter. Criteria: Invitae Variant Classification Sherloc (09022015). Collection method: clinical testing. Allele origin: germline.

Quest Diagnostics Nichols Institute San Juan Capistrano
Classification: Uncertain significance. Last evaluated: 2025-03-26. Review status: criteria provided, single submitter. Criteria: Quest Diagnostics criteria. Collection method: clinical testing. Allele origin: unknown.
Comment: The AXIN2 c.815+8T>A variant has not been reported in individuals with AXIN2-related conditions in the published literature. It also has not been reported in large, multi-ethnic general populations (Genome Aggregation Database). Analysis of this variant using software algorithms for the prediction of the effect of nucleotide changes on splicing yielded predictions that this variant does not affect AXIN2 mRNA splicing. Based on the available information, we are unable to determine the clinical significance of this variant.

Myriad Genetics, Inc.
Classification: Likely benign for Oligodontia-cancer predisposition syndrome. Last evaluated: 2024-06-27. Review status: criteria provided, single submitter. Criteria: Myriad Autosomal Dominant, Autosomal Recessive and X-Linked Classification Criteria (2023). Collection method: clinical testing. Allele origin: unknown.
Comment: This variant is considered likely benign. This variant is intronic and is not expected to impact mRNA splicing.